The following is an entry in ClinVar:

NM_001394062.1(MACF1):c.14178C>T (p.Thr4726=)

Gene: MACF1 (microtubule actin crosslinking factor 1; plus strand). Cytogenetic location: 1p34.3.
Variant type: single nucleotide variant.
Coding change: c.14178C>T on transcript NM_001394062.1 (MANE Select); coding-DNA position 14178, C replaced by T.
Protein change: p.Thr4726=; no amino-acid change (threonine 4726 retained).
Molecular consequence: synonymous variant.
Genome position (GRCh38, 1-based): chr1:39,385,763, C>T. VCF-style: chr1-39385763-C-T. GRCh37 (hg19) VCF-style: chr1-39851435-C-T.
Other names: c.7992C>T, p.Thr2664= (NM_012090.5).
Identifiers: ClinVar variation 2047566 (VCV002047566.29), dbSNP rs16826105, ClinGen allele CA782197.

ClinVar aggregate classification (germline): Benign/Likely benign. Review status: criteria provided, multiple submitters, no conflicts (2 of 4 stars). 3 submissions from 3 submitters: Benign (1); Likely benign (2). Last evaluated 2026-02-01.

Allele frequency attached by ClinVar (database versions not stated): gnomAD exomes 0.00020; ExAC 0.00060; gnomAD 0.00190; 1000 Genomes Project 30x 0.00219; TOPMed 0.00219; 1000 Genomes Project 0.00240; ESP Exome Variant Server 0.00246.
gnomAD v4.1: 577 of 1,614,094 alleles (0.036%); highest among the groups gnomAD compares: African/African-American, 0.67%; 2 homozygotes.

Submissions (3):

CeGaT Center for Human Genetics Tuebingen
Classification: Likely benign. Last evaluated: 2026-02-01. Review status: criteria provided, single submitter. Criteria: CeGaT Center For Human Genetics Tuebingen Variant Classification Criteria Version 2. Collection method: clinical testing. Allele origin: germline. Affected: yes. Observed: 2 variant alleles.
Comment: MACF1: BP4, BP7

Labcorp Genetics (formerly Invitae), Labcorp
Classification: Benign. Last evaluated: 2025-08-08. Review status: criteria provided, single submitter. Criteria: Invitae Variant Classification Sherloc (09022015). Collection method: clinical testing. Allele origin: germline.

Blueprint Genetics
Classification: Likely benign. Last evaluated: 2024-07-04. Review status: criteria provided, single submitter. Criteria: ACMG Guidelines, 2015. Collection method: clinical testing. Allele origin: germline.